The following is an entry in ClinVar:

NM_015474.4(SAMHD1):c.275+2T>G

Gene: SAMHD1 (SAM and HD domain containing deoxynucleoside triphosphate triphosphohydrolase 1; minus strand). Cytogenetic location: 20q11.23.
Variant type: single nucleotide variant.
Coding change: c.275+2T>G on transcript NM_015474.4 (MANE Select); the canonical splice donor site of the intron after coding-DNA position 275, T replaced by G.
Molecular consequence: splice donor variant.
Genome position (GRCh38, 1-based): chr20:36,946,736, A>C on the plus strand (T>G on the coding strand, the complement: SAMHD1 is on the minus strand). VCF-style: chr20-36946736-A-C. GRCh37 (hg19) VCF-style: chr20-35575139-A-C.
Other names: c.275+2T>G (NM_001363729.2, NM_001363733.2).
Identifiers: ClinVar variation 4815856 (VCV004815856.1).

ClinVar aggregate classification (germline): Likely pathogenic (1 of 4 stars; one submission).

Conditions:
Aicardi Goutieres syndrome (AGS). Also called: Encephalopathy, familial infantile, with calcification of basal ganglia and chronic cerebrospinal fluid lymphocytosis. Identifiers: Orphanet 51, MedGen C0393591, MONDO:0018866.

Submission:

Natera, Inc.
Classification: Likely pathogenic for Aicardi-Goutieres syndrome. Last evaluated: 2024-03-28. Review status: criteria provided, single submitter. Criteria: Natera Variant Classification Schema (03/2026). Collection method: clinical testing. Allele origin: germline.
Comment: The c.275+2T>G variant in SAMHD1 is a canonical splice donor site variant predicted to affect pre-mRNA splicing, which may result in an abnormal transcript and altered protein product. This variant is expected to result in nonsense mediated decay, truncation, or a dysfunctional protein product. This variant is rare in the general population with a frequency below the threshold expected for the associated phenotype(s). Given the available evidence, this variant is classified as Likely Pathogenic.